The following is an entry in ClinVar:

NC_000021.9:g.32728039A>C

Gene: SYNJ1 (synaptojanin 1; minus strand). Cytogenetic location: 21q22.11.
Variant type: single nucleotide variant.
Molecular consequence: missense variant, initiator codon variant (on NM_003895.4).
Genome position: GRCh38 VCF-style: chr21-32728039-A-C. GRCh37 (hg19) VCF-style: chr21-34100350-A-C.
Other names: c.2T>G, p.Met1Arg (NM_003895.4); short protein forms M1R.
Identifiers: ClinVar variation 2134626 (VCV002134626.5), dbSNP rs2517088624, ClinGen allele CA410078984.

ClinVar aggregate classification (germline): Uncertain significance (1 of 4 stars; one submission).

Conditions:
Early-onset Parkinson disease 20. Also called: PARKINSON DISEASE 20, AUTOSOMAL RECESSIVE EARLY-ONSET. Identifiers: Orphanet 391411, MedGen C3809824, MONDO:0014233, OMIM 615530.
Developmental and epileptic encephalopathy, 53. Also called: Epileptic encephalopathy, early infantile, 53. Identifiers: MedGen C4479313, MONDO:0033362, OMIM 617389.

Submission:

Labcorp Genetics (formerly Invitae), Labcorp
Classification: Uncertain significance for Developmental and epileptic encephalopathy, 53; Early-onset Parkinson disease 20. Last evaluated: 2022-05-06. Review status: criteria provided, single submitter. Criteria: Invitae Variant Classification Sherloc (09022015). Collection method: clinical testing. Allele origin: germline.
Comment: This variant has not been reported in the literature in individuals affected with SYNJ1-related conditions. Experimental studies and prediction algorithms are not available or were not evaluated, and the functional significance of this variant is currently unknown. In summary, the available evidence is currently insufficient to determine the role of this variant in disease. Therefore, it has been classified as a Variant of Uncertain Significance. This variant is not present in population databases (gnomAD no frequency). This sequence change affects the initiator methionine of the SYNJ1 mRNA. The next in-frame methionine is located at codon 40.